The following is an entry in ClinVar:

NM_001148.6(ANK2):c.1344C>G (p.Leu448=)

Gene: ANK2 (ankyrin 2; plus strand). Cytogenetic location: 4q26.
Variant type: single nucleotide variant.
Coding change: c.1344C>G on transcript NM_001148.6 (MANE Select); coding-DNA position 1344, C replaced by G.
Protein change: p.Leu448=; no amino-acid change (leucine 448 retained).
Molecular consequence: synonymous variant. On other transcripts: intron variant (5).
Genome position (GRCh38, 1-based): chr4:113,258,369, C>G. VCF-style: chr4-113258369-C-G. GRCh37 (hg19) VCF-style: chr4-114179525-C-G.
Other names: c.1281C>G, p.Leu427= (NM_001127493.3, NM_001354239.2, NM_001354243.2 and 14 more transcripts); c.1344C>G, p.Leu448= (NM_001354225.2, NM_001354228.2, NM_001354232.2 and 8 more transcripts); c.1389C>G, p.Leu463= (NM_001354230.2, NM_001354231.2, NM_001354237.2 and 5 more transcripts); c.1257C>G, p.Leu419= (NM_001354249.2, NM_001354260.2, NM_001354264.2 and 13 more transcripts); c.1302C>G, p.Leu434= (NM_001354261.2, NM_001386147.1, NM_001386160.1); c.1332C>G, p.Leu444= (NM_001386148.2, NM_001386186.2); c.1395C>G, p.Leu465= (NM_001386174.1); c.1371C>G, p.Leu457= (NM_001386175.1); and 4 more.
Identifiers: ClinVar variation 457020 (VCV000457020.9), dbSNP rs1435867786, ClinGen allele CA440836966.

ClinVar aggregate classification (germline): Likely benign. Review status: criteria provided, multiple submitters, no conflicts (2 of 4 stars). 3 submissions from 3 submitters: Likely benign (3). Last evaluated 2025-12-04.

Conditions:
Cardiovascular phenotype. Identifiers: MedGen CN230736.
Long QT syndrome (LQTS). Identifiers: MedGen C0023976, MeSH D008133, MONDO:0002442. Disease mechanism: loss of function. Inheritance: Various modes of inheritance.

Allele frequency attached by ClinVar (database versions not stated): gnomAD 0.00001; TOPMed 0.00001.
gnomAD v4.1: 10 of 1,614,054 alleles (0.00062%); highest among the groups gnomAD compares: Non-Finnish European, 0.00085%; no homozygotes.

Submissions (3):

Labcorp Genetics (formerly Invitae), Labcorp
Classification: Likely benign for Long QT syndrome. Last evaluated: 2025-12-04. Review status: criteria provided, single submitter. Criteria: Invitae Variant Classification Sherloc (09022015). Collection method: clinical testing. Allele origin: germline.

Ambry Genetics
Classification: Likely benign for Cardiovascular phenotype. Last evaluated: 2021-11-09. Review status: criteria provided, single submitter. Criteria: Ambry Variant Classification Scheme 2023. Collection method: clinical testing. Allele origin: germline.

GeneDx
Classification: Likely benign. Last evaluated: 2017-10-11. Review status: criteria provided, single submitter. Criteria: GeneDx Variant Classification (06012015). Collection method: clinical testing. Allele origin: germline. Affected: yes.
Comment: This variant is considered likely benign or benign based on one or more of the following criteria: it is a conservative change, it occurs at a poorly conserved position in the protein, it is predicted to be benign by multiple in silico algorithms, and/or has population frequency not consistent with disease.